The following is an entry in ClinVar:

NM_001370298.3(FGD4):c.1276C>T (p.Leu426Phe)

Gene: FGD4 (FYVE, RhoGEF and PH domain containing 4; plus strand). Cytogenetic location: 12p11.21.
Variant type: single nucleotide variant.
Coding change: c.1276C>T on transcript NM_001370298.3 (MANE Select); coding-DNA position 1276, C replaced by T.
Protein change: p.Leu426Phe; replaces leucine 426 with phenylalanine.
Molecular consequence: missense variant. On other transcripts: 5 prime UTR variant (1).
Genome position (GRCh38, 1-based): chr12:32,602,189, C>T. VCF-style: chr12-32602189-C-T. GRCh37 (hg19) VCF-style: chr12-32755123-C-T.
Other names: c.865C>T (NM_139241.2); c.1120C>T, p.Leu374Phe (NM_001304481.2); c.121C>T, p.Leu41Phe (NM_001304483.2); c.-187C>T (NM_001304484.2); c.586C>T, p.Leu196Phe (NM_001330373.2, NM_001330374.2, NM_001384130.1); c.313C>T, p.Leu105Phe (NM_001370297.1); c.1276C>T, p.Leu426Phe (NM_001384126.1); c.865C>T, p.Leu289Phe (NM_001384127.1, NM_001384128.1, NM_001385118.1 and 1 more transcripts); short protein forms L105F, L196F, L289F, L374F, L41F, L426F.
Identifiers: ClinVar variation 1056347 (VCV001056347.11), dbSNP rs1204289708, ClinGen allele CA384358476.

ClinVar aggregate classification (germline): Uncertain significance. Review status: criteria provided, multiple submitters, no conflicts (2 of 4 stars). 3 submissions from 3 submitters: Uncertain significance (3). Last evaluated 2025-12-09.

Conditions:
Inborn genetic diseases. Identifiers: MedGen C0950123, MeSH D030342.
Charcot-Marie-Tooth disease type 4. Also called: Charcot-Marie-Tooth disease, type IV; Charcot-Marie-Tooth, Type 4. Identifiers: Orphanet 64749, MedGen C4082197, MONDO:0018995.

Allele frequency attached by ClinVar (database versions not stated): gnomAD exomes below 0.00001; gnomAD 0.00001.
gnomAD v4.1: 4 of 1,613,942 alleles (0.00025%); highest among the groups gnomAD compares: African/African-American, 0.0013%; no homozygotes.

Submissions (3):

Ambry Genetics
Classification: Uncertain significance for Inborn genetic diseases. Last evaluated: 2025-12-09. Review status: criteria provided, single submitter. Criteria: Ambry Variant Classification Scheme 2023. Collection method: clinical testing. Allele origin: germline.

Women's Health and Genetics/Laboratory Corporation of America, LabCorp
Classification: Uncertain significance. Last evaluated: 2025-10-29. Review status: criteria provided, single submitter. Criteria: LabCorp Variant Classification Summary - May 2015. Collection method: clinical testing. Allele origin: germline.
Comment: Variant summary: FGD4 c.865C>T (p.Leu289Phe) results in a non-conservative amino acid change in the encoded protein sequence. Algorithms developed to predict the effect of missense changes on protein structure and function are either unavailable or do not agree on the potential impact of this missense change. The variant allele was found at a frequency of 4e-06 in 251400 control chromosomes. The available data on variant occurrences in the general population are insufficient to allow any conclusion about variant significance. To our knowledge, no occurrence of c.865C>T in individuals affected with FGD4-related conditions and no experimental evidence demonstrating its impact on protein function have been reported. ClinVar contains an entry for this variant (Variation ID: 1056347). Based on the evidence outlined above, the variant was classified as uncertain significance.

Labcorp Genetics (formerly Invitae), Labcorp
Classification: Uncertain significance for Charcot-Marie-Tooth disease type 4. Last evaluated: 2023-04-05. Review status: criteria provided, single submitter. Criteria: Invitae Variant Classification Sherloc (09022015). Collection method: clinical testing. Allele origin: germline.
Comment: In summary, the available evidence is currently insufficient to determine the role of this variant in disease. Therefore, it has been classified as a Variant of Uncertain Significance. Advanced modeling of protein sequence and biophysical properties (such as structural, functional, and spatial information, amino acid conservation, physicochemical variation, residue mobility, and thermodynamic stability) performed at Invitae indicates that this missense variant is expected to disrupt FGD4 protein function. ClinVar contains an entry for this variant (Variation ID: 1056347). This variant has not been reported in the literature in individuals affected with FGD4-related conditions. This variant is present in population databases (no rsID available, gnomAD 0.0009%). This sequence change replaces leucine, which is neutral and non-polar, with phenylalanine, which is neutral and non-polar, at codon 289 of the FGD4 protein (p.Leu289Phe).